The following is an entry in ClinVar:

NM_001130965.3(SUN1):c.1270T>C (p.Phe424Leu)

Gene: SUN1 (Sad1 and UNC84 domain containing 1; plus strand). Cytogenetic location: 7p22.3.
Variant type: single nucleotide variant.
Coding change: c.1270T>C on transcript NM_001130965.3 (MANE Select); coding-DNA position 1270, T replaced by C.
Protein change: p.Phe424Leu; replaces phenylalanine 424 with leucine.
Molecular consequence: missense variant. On other transcripts: non-coding transcript variant (3).
Genome position (GRCh38, 1-based): chr7:854,926, T>C. VCF-style: chr7-854926-T-C. GRCh37 (hg19) VCF-style: chr7-894563-T-C.
Other names: c.1381T>C, p.Phe461Leu (NM_001367664.1, NM_001367685.1); c.1267T>C, p.Phe423Leu (NM_001367665.1, NM_001367694.1); c.1513T>C, p.Phe505Leu (NM_001367666.1); c.1231T>C, p.Phe411Leu (NM_001367667.1, NM_001367689.1, NM_001367645.1); c.1312T>C, p.Phe438Leu (NM_001367668.1, NM_001367647.1); c.1297T>C, p.Phe433Leu (NM_001367669.1); c.1120T>C, p.Phe374Leu (NM_001367670.1); c.1117T>C, p.Phe373Leu (NM_001367671.1, NM_001367662.1); and 43 more; short protein forms F186L, F235L, F271L, F307L, F321L, F341L, F363L, F368L.
Identifiers: ClinVar variation 1017326 (VCV001017326.8), dbSNP rs548117640, ClinGen allele CA4112147.

ClinVar aggregate classification (germline): Uncertain significance (1 of 4 stars; one submission).

Conditions:
Emery-Dreifuss muscular dystrophy (EDMD). Also called: Scapuloperoneal syndrome, X-linked (formerly); Humeroperoneal neuromuscular disease, (formerly). Identifiers: Orphanet 261, MedGen C0410189, MONDO:0016830.

Allele frequency attached by ClinVar (database versions not stated): gnomAD 0.00001; TOPMed 0.00002.
gnomAD v4.1: 52 of 1,612,638 alleles (0.0032%); highest among the groups gnomAD compares: Non-Finnish European, 0.0042%; no homozygotes.

Submission:

Labcorp Genetics (formerly Invitae), Labcorp
Classification: Uncertain significance for Emery-Dreifuss muscular dystrophy. Last evaluated: 2023-04-13. Review status: criteria provided, single submitter. Criteria: Invitae Variant Classification Sherloc (09022015). Collection method: clinical testing. Allele origin: germline.
Comment: ClinVar contains an entry for this variant (Variation ID: 1017326). In summary, the available evidence is currently insufficient to determine the role of this variant in disease. Therefore, it has been classified as a Variant of Uncertain Significance. Algorithms developed to predict the effect of missense changes on protein structure and function output the following: SIFT: "Not Available"; PolyPhen-2: "Benign"; Align-GVGD: "Not Available". The leucine amino acid residue is found in multiple mammalian species, which suggests that this missense change does not adversely affect protein function. This variant has not been reported in the literature in individuals affected with SUN1-related conditions. This variant is present in population databases (rs548117640, gnomAD 0.003%). This sequence change replaces phenylalanine, which is neutral and non-polar, with leucine, which is neutral and non-polar, at codon 424 of the SUN1 protein (p.Phe424Leu).